The following is an entry in ClinVar:

NM_000051.4(ATM):c.3108_3119delinsTAA (p.Ser1037_Met1040delinsLys)

Gene: ATM (ATM serine/threonine kinase; plus strand). Cytogenetic location: 11q22.3.
Variant type: Indel.
Coding change: c.3108_3119delinsTAA on transcript NM_000051.4 (MANE Select); coding-DNA positions 3108 to 3119, CTCTGTAAGAAT replaced by TAA.
Protein change: p.Ser1037_Met1040delinsLys.
Molecular consequence: inframe indel.
Genome position (GRCh38, 1-based): chr11:108,272,562-108,272,573, CTCTGTAAGAAT replaced by TAA. VCF-style: chr11-108272562-CTCTGTAAGAAT-TAA. GRCh37 (hg19) VCF-style: chr11-108143289-CTCTGTAAGAAT-TAA.
Other names: c.3108_3119delinsTAA, p.Ser1037_Met1040delinsLys (NM_001351834.2); c.3108_3120del13insTAAG (NM_000051.3).
Identifiers: ClinVar variation 1727703 (VCV001727703.2), dbSNP rs2497712478, ClinGen allele CA2580083290.

ClinVar aggregate classification (germline): Uncertain significance (1 of 4 stars; one submission).

Conditions:
Hereditary cancer-predisposing syndrome. Also called: Tumor predisposition; Neoplastic Syndromes, Hereditary; Hereditary Cancer Syndrome; Hereditary neoplastic syndrome. Identifiers: Orphanet 140162, MedGen C0027672, MeSH D009386, MONDO:0015356.

Submission:

Ambry Genetics
Classification: Uncertain significance for Hereditary cancer-predisposing syndrome. Last evaluated: 2020-06-29. Review status: criteria provided, single submitter. Criteria: Ambry Variant Classification Scheme 2023. Collection method: clinical testing. Allele origin: germline.
Comment: The c.3108_3120del13insTAAG variant (also known as p.S1037_M1040delinsK), located in coding exon 20 of the ATM gene, results from an in-frame deletion of CTCTGTAAGAATG and insertion of TAAG at nucleotide positions 3108 to 3120. This results in the substitution of the serine, valine, arginine and methionine residues for a lysine residue at codon 1037. These amino acid positions are generally well conserved in available vertebrate species. In addition, this alteration is predicted to be deleterious by in silico analysis (Choi Y et al. PLoS ONE. 2012; 7(10):e46688). Since supporting evidence is limited at this time, the clinical significance of this alteration remains unclear.